The following is an entry in ClinVar:

NM_001206927.2(DNAH8):c.991A>G (p.Thr331Ala)

Gene: DNAH8 (dynein axonemal heavy chain 8; plus strand). Cytogenetic location: 6p21.2.
Variant type: single nucleotide variant.
Coding change: c.991A>G on transcript NM_001206927.2 (MANE Select); coding-DNA position 991, A replaced by G.
Protein change: p.Thr331Ala; replaces threonine 331 with alanine.
Molecular consequence: missense variant.
Genome position (GRCh38, 1-based): chr6:38,737,847, A>G. VCF-style: chr6-38737847-A-G. GRCh37 (hg19) VCF-style: chr6-38705623-A-G.
Other names: p.Thr331Ala; c.340A>G, p.Thr114Ala (NM_001371.4); short protein forms T331A, T114A.
Identifiers: ClinVar variation 407288 (VCV000407288.7), dbSNP rs143492695, ClinGen allele CA3788104.
Genomic context (GRCh38, chr6:38,737,847, plus strand): 5'-ATGTCTTTTTTTTCCTTTTTAGGTGCTAGAATAAGTATTGAGGGAACAGTGAAGTTAAAG[A>G]CAATAGACAATGTTAATTTTTCCAAACTGCACACCTTTGAAGAAGTAACTGCTGCAGCCA-3'
Protein context (NP_001193856.1, residues 321-341): ISIEGTVKLK[Thr331Ala]IDNVNFSKLH

ClinVar aggregate classification (germline): Uncertain significance. Review status: criteria provided, multiple submitters, no conflicts (2 of 4 stars). 2 submissions from 2 submitters: Uncertain significance (2). Last evaluated 2025-02-06.

Conditions:
Primary ciliary dyskinesia. Also called: Ciliary dyskinesia. Identifiers: Orphanet 244, MedGen C0008780, MONDO:0016575, HP:0012265.

Allele frequency attached by ClinVar (database versions not stated): ExAC 0.00033; gnomAD exomes 0.00034; gnomAD 0.00038 and 0.00039; TOPMed 0.00040; ESP Exome Variant Server 0.00069.
gnomAD v4.1: 1,377 of 1,577,506 alleles (0.087%); highest among the groups gnomAD compares: Non-Finnish European, 0.11%; 1 homozygote.

Submissions (2):

Mayo Clinic Laboratories, Mayo Clinic
Classification: Uncertain significance. Last evaluated: 2025-02-06. Review status: criteria provided, single submitter. Criteria: ACMG Guidelines, 2015. Collection method: clinical testing. Allele origin: germline. Observed: 1 variant allele.
Comment: BP4_moderate

Labcorp Genetics (formerly Invitae), Labcorp
Classification: Uncertain significance for Primary ciliary dyskinesia. Last evaluated: 2022-10-16. Review status: criteria provided, single submitter. Criteria: Invitae Variant Classification Sherloc (09022015). Collection method: clinical testing. Allele origin: germline.
Comment: This sequence change replaces threonine, which is neutral and polar, with alanine, which is neutral and non-polar, at codon 331 of the DNAH8 protein (p.Thr331Ala). This variant is present in population databases (rs143492695, gnomAD 0.06%). This missense change has been observed in individual(s) with clinical features of primary ciliary dyskinesia (PMID: 32037394). ClinVar contains an entry for this variant (Variation ID: 407288). Algorithms developed to predict the effect of missense changes on protein structure and function are either unavailable or do not agree on the potential impact of this missense change (SIFT: "Tolerated"; PolyPhen-2: "Not Available"; Align-GVGD: "Class C0"). In summary, the available evidence is currently insufficient to determine the role of this variant in disease. Therefore, it has been classified as a Variant of Uncertain Significance.

Literature cited by the submitters: PubMed 32037394 (cited by Mayo Clinic Laboratories, Mayo Clinic and Labcorp Genetics (formerly Invitae), Labcorp); PubMed 35728977 (cited by Mayo Clinic Laboratories, Mayo Clinic).